The following is an entry in ClinVar:

NM_000540.3(RYR1):c.9293G>A (p.Ser3098Asn)

Gene: RYR1 (ryanodine receptor 1; plus strand). Cytogenetic location: 19q13.2.
Variant type: single nucleotide variant.
Coding change: c.9293G>A on transcript NM_000540.3 (MANE Select); coding-DNA position 9293, G replaced by A.
Protein change: p.Ser3098Asn; replaces serine 3098 with asparagine.
Molecular consequence: missense variant.
Genome position (GRCh38, 1-based): chr19:38,512,304, G>A. VCF-style: chr19-38512304-G-A. GRCh37 (hg19) VCF-style: chr19-39002944-G-A.
Other names: c.9293G>A, p.Ser3098Asn (NM_001042723.2); short protein forms S3098N.
Identifiers: ClinVar variation 3070262 (VCV003070262.1), dbSNP rs749716677, ClinGen allele CA405686522.

ClinVar aggregate classification (germline): Uncertain significance (1 of 4 stars; one submission).

Conditions:
Malignant hyperthermia, susceptibility to, 1 (MHS1). Also called: RYR1-Related Malignant Hyperthermia Susceptibility; Anesthesia related hyperthermia; Malignant hyperpyrexia; Fulminating hyperpyrexia; Pharmacogenic myopathy; Malignant hyperthermia suceptibility 1. Identifiers: Orphanet 423, MedGen C2930980, MONDO:0007783, OMIM 145600.

Allele frequency attached by ClinVar (database versions not stated): TOPMed 0.00001.
gnomAD v4.1: 2 of 1,614,246 alleles (0.00012%); highest among the groups gnomAD compares: Non-Finnish European, 0.00017%; no homozygotes.

Submission:

All of Us Research Program, National Institutes of Health
Classification: Uncertain significance for Malignant hyperthermia, susceptibility to, 1. Last evaluated: 2023-04-03. Review status: criteria provided, single submitter. Criteria: ACMG Guidelines, 2015. Collection method: clinical testing. Allele origin: germline. Inheritance: Autosomal dominant inheritance. Observed: 1 variant allele, 1 heterozygote.
Comment: This missense variant replaces serine with asparagine at codon 3098 of the RYR1 protein. Computational prediction suggests that this variant may not impact protein structure and function (internally defined REVEL score threshold <= 0.5, PMID: 27666373). To our knowledge, functional studies have not been reported for this variant. This variant has not been reported in individuals affected with RYR1-related disorders in the literature. This variant has not been identified in the general population by the Genome Aggregation Database (gnomAD). The available evidence is insufficient to determine the role of this variant in disease conclusively. Therefore, this variant is classified as a Variant of Uncertain Significance.

This study involves interpretation of variants in research participants for the purpose of population health screening. Participant phenotype was not available at the time of variant classification. Additional details can be found in publication PMID: 35346344, PMCID: PMC8962531